The following is an entry in ClinVar:

NM_000091.5(COL4A3):c.2375-11_2384del

Genes: COL4A3 (collagen type IV alpha 3 chain; plus strand), MFF-DT (MFF divergent transcript; minus strand). Cytogenetic location: 2q36.3.
Variant type: Deletion.
Coding change: c.2375-11_2384del on transcript NM_000091.5 (MANE Select); 11 bases into the intron before coding-DNA position 2375 through coding-DNA position 2384, 21 bases deleted (TTCTTTTGCAGGAGATCCAGG).
Molecular consequence: splice acceptor variant.
Genome position (GRCh38, 1-based): chr2:227,280,882-227,280,902, TTCTTTTGCAGGAGATCCAGG deleted. VCF-style (leftmost placement, unchanged base first): chr2-227280881-TTTCTTTTGCAGGAGATCCAGG-T. GRCh37 (hg19) VCF-style: chr2-228145597-TTTCTTTTGCAGGAGATCCAGG-T.
Identifiers: ClinVar variation 2005534 (VCV002005534.4), dbSNP rs2469758522, ClinGen allele CA2580066000.

ClinVar aggregate classification (germline): Likely pathogenic (1 of 4 stars; one submission).

Submission:

Labcorp Genetics (formerly Invitae), Labcorp
Classification: Likely pathogenic. Last evaluated: 2023-12-21. Review status: criteria provided, single submitter. Criteria: Invitae Variant Classification Sherloc (09022015). Collection method: clinical testing. Allele origin: germline.
Comment: This variant results in the deletion of part of exon 31 (c.2375-11_2384) of the COL4A3 gene. It is expected to disrupt RNA splicing. Variants that disrupt the donor or acceptor splice site typically lead to a loss of protein function (PMID: 16199547), and loss-of-function variants in COL4A3 are known to be pathogenic (PMID: 8956999, 24854265, 26809805, 27281700). This variant is not present in population databases (gnomAD no frequency). This variant has not been reported in the literature in individuals affected with COL4A3-related conditions. ClinVar contains an entry for this variant (Variation ID: 2005534). In summary, the currently available evidence indicates that the variant is pathogenic, but additional data are needed to prove that conclusively. Therefore, this variant has been classified as Likely Pathogenic.

Literature cited by the submitters: PubMed 16199547; PubMed 8956999; PubMed 24854265; PubMed 26809805; PubMed 27281700.